The following is an entry in ClinVar:

NM_024422.6(DSC2):c.182C>A (p.Ala61Glu)

Gene: DSC2 (desmocollin 2; minus strand). Cytogenetic location: 18q12.1.
Variant type: single nucleotide variant.
Coding change: c.182C>A on transcript NM_024422.6 (MANE Select); coding-DNA position 182, C replaced by A.
Protein change: p.Ala61Glu; replaces alanine 61 with glutamic acid.
Molecular consequence: missense variant.
Genome position (GRCh38, 1-based): chr18:31,092,273, G>T on the plus strand (C>A on the coding strand, the complement: DSC2 is on the minus strand). VCF-style: chr18-31092273-G-T. GRCh37 (hg19) VCF-style: chr18-28672236-G-T.
Other names: c.182C>A, p.Ala61Glu (NM_004949.5); short protein forms A61E.
Identifiers: ClinVar variation 927052 (VCV000927052.9), dbSNP rs758707293, ClinGen allele CA297644507.
Genomic context (GRCh38, chr18:31,092,273, plus strand): 5'-GTATAGACTGAACCATCCTCCAAAATTTGGAAGTCAGGATCACTTGAATGAATTAGATTT[G>T]CAGCTGTAAAGCACTCTTTCAGGTTAACTGTAGAAAATATGCACAGCAATCATTTTTAAA-3'
Protein context (NP_077740.1, residues 51-71): RVNLKECFTA[Ala61Glu]NLIHSSDPDF

ClinVar aggregate classification (germline): Uncertain significance. Review status: criteria provided, multiple submitters, no conflicts (2 of 4 stars). 3 submissions from 3 submitters: Uncertain significance (3). Last evaluated 2024-12-17.

Conditions:
Cardiovascular phenotype. Identifiers: MedGen CN230736.
Arrhythmogenic right ventricular dysplasia 11. Also called: ARRHYTHMOGENIC RIGHT VENTRICULAR DYSPLASIA, FAMILIAL, 11; Arrhythmogenic Right Ventricular Dysplasia/Cardiomyopathy11; Arrhythmogenic right ventricular dysplasia 11 with mild palmoplantar keratoderma and woolly hair. Identifiers: MedGen C1864850, MONDO:0012506, OMIM 610476.
Cardiomyopathy (CMYO). Also called: Cardiomyopathies. Identifiers: Orphanet 167848, MedGen C0878544, MONDO:0004994, HP:0001638. Inheritance: Various modes of inheritance.

Submissions (3):

Labcorp Genetics (formerly Invitae), Labcorp
Classification: Uncertain significance for Arrhythmogenic right ventricular dysplasia 11. Last evaluated: 2024-12-17. Review status: criteria provided, single submitter. Criteria: Invitae Variant Classification Sherloc (09022015). Collection method: clinical testing. Allele origin: germline.
Comment: This sequence change replaces alanine, which is neutral and non-polar, with glutamic acid, which is acidic and polar, at codon 61 of the DSC2 protein (p.Ala61Glu). This variant is not present in population databases (gnomAD no frequency). This variant has not been reported in the literature in individuals affected with DSC2-related conditions. ClinVar contains an entry for this variant (Variation ID: 927052). Invitae Evidence Modeling of protein sequence and biophysical properties (such as structural, functional, and spatial information, amino acid conservation, physicochemical variation, residue mobility, and thermodynamic stability) indicates that this missense variant is expected to disrupt DSC2 protein function with a positive predictive value of 80%. In summary, the available evidence is currently insufficient to determine the role of this variant in disease. Therefore, it has been classified as a Variant of Uncertain Significance.

Color Diagnostics, LLC DBA Color Health
Classification: Uncertain significance for Cardiomyopathy. Last evaluated: 2024-03-06. Review status: criteria provided, single submitter. Criteria: ACMG Guidelines, 2015. Collection method: clinical testing. Allele origin: germline.
Comment: This missense variant replaces alanine with glutamic acid at codon 61 of the DSC2 protein. Computational prediction suggests that this variant may not impact protein structure and function (internally defined REVEL score threshold <= 0.5, PMID: 27666373). To our knowledge, functional studies have not been reported for this variant. This variant has not been reported in individuals affected with cardiovascular disorders in the literature. This variant has not been identified in the general population by the Genome Aggregation Database (gnomAD). The available evidence is insufficient to determine the role of this variant in disease conclusively. Therefore, this variant is classified as a Variant of Uncertain Significance.

Ambry Genetics
Classification: Uncertain significance for Cardiovascular phenotype. Last evaluated: 2022-05-31. Review status: criteria provided, single submitter. Criteria: Ambry Variant Classification Scheme 2023. Collection method: clinical testing. Allele origin: germline.
Comment: The p.A61E variant (also known as c.182C>A), located in coding exon 3 of the DSC2 gene, results from a C to A substitution at nucleotide position 182. The alanine at codon 61 is replaced by glutamic acid, an amino acid with dissimilar properties. This amino acid position is conserved. In addition, this alteration is predicted to be tolerated by in silico analysis. Since supporting evidence is limited at this time, the clinical significance of this alteration remains unclear.